The following is an entry in ClinVar:

ClinVar aggregate classification (germline): Uncertain significance (1 of 4 stars; one submission).

Allele frequency attached by ClinVar (database versions not stated): gnomAD exomes below 0.00001.
gnomAD v4.1: 1 of 1,612,804 alleles (0.000062%); highest among the groups gnomAD compares: Admixed American, 0.0017%; no homozygotes.

Submission:

Laboratory for Molecular Medicine, Mass General Brigham Personalized Medicine
Classification: Uncertain significance. Last evaluated: 2017-03-29. Review status: criteria provided, single submitter. Criteria: LMM Criteria. Collection method: clinical testing. Allele origin: germline. Observed: 1 variant allele.
Comment: The p.Leu1100Gln variant in MYO15A has not been previously reported in individua ls with hearing loss and was absent from large population studies. Computational prediction tools and conservation analysis do not provide strong support for or against an impact to the protein. In summary, the clinical significance of the p.Leu1100Gln variant is uncertain.

NM_016239.4(MYO15A):c.3299T>A (p.Leu1100Gln)

Gene: MYO15A (myosin XVA; plus strand). Cytogenetic location: 17p11.2.
Variant type: single nucleotide variant.
Coding change: c.3299T>A on transcript NM_016239.4 (MANE Select); coding-DNA position 3299, T replaced by A.
Protein change: p.Leu1100Gln; replaces leucine 1100 with glutamine.
Molecular consequence: missense variant.
Genome position (GRCh38, 1-based): chr17:18,122,099, T>A. VCF-style: chr17-18122099-T-A. GRCh37 (hg19) VCF-style: chr17-18025413-T-A.
Other names: short protein forms L1100Q.
Identifiers: ClinVar variation 517293 (VCV000517293.4), dbSNP rs1555540034, ClinGen allele CA398587240.